The following is an entry in ClinVar:

NM_000531.6(OTC):c.714dup (p.Glu239fs)

Gene: OTC (ornithine transcarbamylase; plus strand). Cytogenetic location: Xp11.4.
Variant type: Duplication.
Coding change: c.714dup on transcript NM_000531.6 (MANE Select); coding-DNA position 714, one base duplicated (A; older notation c.714dupA).
Protein change: p.Glu239fs; shifts the reading frame from glutamic acid 239.
Molecular consequence: frameshift variant.
Genome position (GRCh38, 1-based): chrX:38,408,792, A duplicated; the last of 3 consecutive A bases (chrX:38,408,790-38,408,792); duplicating any one gives the same sequence. VCF-style (leftmost placement, unchanged base first): chrX-38408789-C-CA. GRCh37 (hg19) VCF-style: chrX-38268042-C-CA.
Other names: c.714dup, p.Glu239Argfs (NM_001407092.1); short protein forms E239fs.
Identifiers: ClinVar variation 2018138 (VCV002018138.4), dbSNP rs2519978937, ClinGen allele CA2580100810.

ClinVar aggregate classification (germline): Pathogenic (1 of 4 stars; one submission).

Conditions:
Ornithine carbamoyltransferase deficiency (OTCD). Also called: ORNITHINE TRANSCARBAMYLASE DEFICIENCY; ORNITHINE TRANSCARBAMYLASE DEFICIENCY, HYPERAMMONEMIA DUE TO; OTC DEFICIENCY; Ornithine Carbamoyltransferase Deficiency Disease. Identifiers: Orphanet 664, MedGen C0268542, MONDO:0010703, OMIM 311250.

Submission:

Labcorp Genetics (formerly Invitae), Labcorp
Classification: Pathogenic for Ornithine carbamoyltransferase deficiency. Last evaluated: 2022-11-07. Review status: criteria provided, single submitter. Criteria: Invitae Variant Classification Sherloc (09022015). Collection method: clinical testing. Allele origin: germline.
Comment: For these reasons, this variant has been classified as Pathogenic. This variant has not been reported in the literature in individuals affected with OTC-related conditions. This variant is not present in population databases (gnomAD no frequency). This sequence change creates a premature translational stop signal (p.Glu239Argfs*11) in the OTC gene. It is expected to result in an absent or disrupted protein product. Loss-of-function variants in OTC are known to be pathogenic (PMID: 10946359, 16786505).

Literature cited by the submitters: PubMed 10946359; PubMed 16786505.